The following is an entry in ClinVar:

ClinVar aggregate classification (germline): Likely benign (1 of 4 stars; one submission).

Conditions:
Sessile serrated polyposis cancer syndrome (SSPCS). Identifiers: Orphanet 157798, MedGen C4310714, MONDO:0014919, OMIM 617108.

gnomAD v4.1: 2 of 1,609,916 alleles (0.00012%); highest among the groups gnomAD compares: Non-Finnish European, 0.00017%; no homozygotes.

Submission:

Myriad Genetics, Inc.
Classification: Likely benign for Sessile serrated polyposis cancer syndrome. Last evaluated: 2026-06-26. Review status: criteria provided, single submitter. Criteria: Myriad Autosomal Dominant, Autosomal Recessive and X-Linked Classification Criteria (2023). Collection method: clinical testing. Allele origin: unknown.
Comment: This variant is considered likely benign. This variant is intronic and is not expected to impact mRNA splicing.

NM_017763.6(RNF43):c.850-8T>C

Gene: RNF43 (ring finger protein 43; minus strand). Cytogenetic location: 17q22.
Variant type: single nucleotide variant.
Coding change: c.850-8T>C on transcript NM_017763.6 (MANE Select); 8 bases into the intron before coding-DNA position 850, T replaced by C.
Molecular consequence: intron variant.
Genome position (GRCh38, 1-based): chr17:58,360,259, A>G on the plus strand (T>C on the coding strand, the complement: RNF43 is on the minus strand). VCF-style: chr17-58360259-A-G. GRCh37 (hg19) VCF-style: chr17-56437620-A-G.
Other names: c.850-8T>C (NM_001438822.1, NM_001305544.3, NM_001438820.1 and 1 more transcripts); c.469-8T>C (NM_001305545.2, NM_001437987.1).
Identifiers: ClinVar variation 4875732 (VCV004875732.1).